The following is an entry in ClinVar:

ClinVar aggregate classification (germline): Uncertain significance (1 of 4 stars; one submission).

gnomAD v4.1: 1 of 1,614,014 alleles (0.000062%); highest among the groups gnomAD compares: African/African-American, 0.0013%; no homozygotes.

Submission:

Labcorp Genetics (formerly Invitae), Labcorp
Classification: Uncertain significance. Last evaluated: 2022-06-23. Review status: criteria provided, single submitter. Criteria: Invitae Variant Classification Sherloc (09022015). Collection method: clinical testing. Allele origin: germline.
Comment: This sequence change replaces leucine, which is neutral and non-polar, with phenylalanine, which is neutral and non-polar, at codon 136 of the PHYH protein (p.Leu136Phe). This variant is not present in population databases (gnomAD no frequency). This variant has not been reported in the literature in individuals affected with PHYH-related conditions. Algorithms developed to predict the effect of missense changes on protein structure and function (SIFT, PolyPhen-2, Align-GVGD) all suggest that this variant is likely to be tolerated. In summary, the available evidence is currently insufficient to determine the role of this variant in disease. Therefore, it has been classified as a Variant of Uncertain Significance.

NM_006214.4(PHYH):c.406C>T (p.Leu136Phe)

Gene: PHYH (phytanoyl-CoA 2-hydroxylase; minus strand). Cytogenetic location: 10p13.
Variant type: single nucleotide variant.
Coding change: c.406C>T on transcript NM_006214.4 (MANE Select); coding-DNA position 406, C replaced by T.
Protein change: p.Leu136Phe; replaces leucine 136 with phenylalanine.
Molecular consequence: missense variant.
Genome position (GRCh38, 1-based): chr10:13,294,436, G>A on the plus strand (C>T on the coding strand, the complement: PHYH is on the minus strand). VCF-style: chr10-13294436-G-A. GRCh37 (hg19) VCF-style: chr10-13336436-G-A.
Other names: c.106C>T, p.Leu36Phe (NM_001037537.2, NM_001323080.2, NM_001323084.2); c.406C>T, p.Leu136Phe (NM_001323082.2, NM_001323083.2); short protein forms L136F, L36F.
Identifiers: ClinVar variation 2009756 (VCV002009756.1), dbSNP rs1250910502, ClinGen allele CA376036841.